The following is an entry in ClinVar:

ClinVar aggregate classification (germline): Pathogenic. Review status: criteria provided, multiple submitters, no conflicts (2 of 4 stars). 4 submissions from 4 submitters: Pathogenic (4). Last evaluated 2025-08-21.

Conditions:
Recessive dystrophic epidermolysis bullosa (RDEB). Also called: severe generalized recessive dystrophic epidermolysis bullosa; epidermolysis bullosa dystrophica, autosomal recessive; Hallopeau-Siemens Disease; EPIDERMOLYSIS BULLOSA DYSTROPHICA, GENERALIZED SEVERE, AUTOSOMAL RECESSIVE; Recessive DEB (RDEB); Epidermolysis Bullosa Distrophica Autosomal Recessive (RDEB). Identifiers: Orphanet 79408, Orphanet 79409, MedGen C0079474, MONDO:0009179, OMIM 226600.
Epidermolysis bullosa dystrophica. Also called: Dystrophic epidermolysis bullosa, Hallopeau-Siemens type (formerly); Dystrophic epidermolysis bullosa. Identifiers: Orphanet 303, MedGen C0079294, MONDO:0006543.

Allele frequency attached by ClinVar (database versions not stated): gnomAD exomes below 0.00001; ExAC 0.00001.

Submissions (4):

Natera, Inc.
Classification: Pathogenic for Dystrophic epidermolysis bullosa. Last evaluated: 2025-08-21. Review status: criteria provided, single submitter. Criteria: Natera Variant Classification Schema (03/2026). Collection method: clinical testing. Allele origin: germline.
Comment: The c.676C>T variant in COL7A1 is a nonsense variant predicted to introduce a stop codon at amino acid 226. This variant is expected to result in nonsense mediated decay, truncation, or a dysfunctional protein product. This variant is rare in the general population with a frequency below the threshold expected for the associated phenotype(s). This variant has been observed in one or more individuals affected with the associated recessive disease, as either homozygous or compound heterozygous with a second variant (PMID: 27899325, 8618004). Given the available evidence, this variant is classified as Pathogenic.

Myriad Genetics, Inc.
Classification: Pathogenic for Recessive dystrophic epidermolysis bullosa. Last evaluated: 2024-10-09. Review status: criteria provided, single submitter. Criteria: Myriad Autosomal Dominant, Autosomal Recessive and X-Linked Classification Criteria (2023). Collection method: clinical testing. Allele origin: unknown.
Comment: NM_000094.3(COL7A1):c.676C>T(R226*) is expected to be pathogenic in the context of dystrophic epidermolysis bullosa. This variant is predicted to lead to an abnormal or absent protein product due to the creation of a premature termination codon in COL7A1, a gene where loss-of-function variants are known to be pathogenic. Please note: this variant was assessed in the context of healthy population screening.

Labcorp Genetics (formerly Invitae), Labcorp
Classification: Pathogenic. Last evaluated: 2023-12-30. Review status: criteria provided, single submitter. Criteria: Invitae Variant Classification Sherloc (09022015). Collection method: clinical testing. Allele origin: germline.
Comment: This sequence change creates a premature translational stop signal (p.Arg226*) in the COL7A1 gene. It is expected to result in an absent or disrupted protein product. Loss-of-function variants in COL7A1 are known to be pathogenic (PMID: 16971478). This variant is present in population databases (rs753819164, gnomAD 0.0009%). This premature translational stop signal has been observed in individual(s) with autosomal recessive dystrophic epidermolysis bullosa (PMID: 8618004, 11722462). In at least one individual the data is consistent with being in trans (on the opposite chromosome) from a pathogenic variant. ClinVar contains an entry for this variant (Variation ID: 1458618). For these reasons, this variant has been classified as Pathogenic.

Center for Research in Genodermatoses and Epidermolysis Bullosa, University of Buenos Aires
Classification: Pathogenic for Recessive dystrophic epidermolysis bullosa. Last evaluated: 2022-03-14. Review status: criteria provided, single submitter. Criteria: ACMG Guidelines, 2015. Collection method: clinical testing. Allele origin: maternal. Affected: yes. Observed: 1 variant allele, 1 compound heterozygote.

Literature cited by the submitters: PubMed 27899325 (cited by Natera, Inc.); PubMed 8618004 (cited by 3 submitters); PubMed 16971478 (cited by Labcorp Genetics (formerly Invitae), Labcorp); PubMed 11722462 (cited by Labcorp Genetics (formerly Invitae), Labcorp); PubMed 35979658 (cited by Center for Research in Genodermatoses and Epidermolysis Bullosa, University of Buenos Aires).

NM_000094.4(COL7A1):c.676C>T (p.Arg226Ter)

Gene: COL7A1 (collagen type VII alpha 1 chain; minus strand). Cytogenetic location: 3p21.31.
Variant type: single nucleotide variant.
Coding change: c.676C>T on transcript NM_000094.4 (MANE Select); coding-DNA position 676, C replaced by T.
Protein change: p.Arg226Ter; replaces arginine 226 with a stop codon.
Molecular consequence: nonsense.
Genome position (GRCh38, 1-based): chr3:48,593,108, G>A on the plus strand (C>T on the coding strand, the complement: COL7A1 is on the minus strand). VCF-style: chr3-48593108-G-A. GRCh37 (hg19) VCF-style: chr3-48630541-G-A.
Other names: short protein forms R226*.
Identifiers: ClinVar variation 1458618 (VCV001458618.28), dbSNP rs753819164, ClinGen allele CA2381490.